The following is an entry in ClinVar:

ClinVar aggregate classification (germline): Uncertain significance. Review status: criteria provided, multiple submitters, no conflicts (2 of 4 stars). 2 submissions from 2 submitters: Uncertain significance (2). Last evaluated 2025-08-23.

Conditions:
Inborn genetic diseases. Identifiers: MedGen C0950123, MeSH D030342.

Allele frequency attached by ClinVar (database versions not stated): gnomAD 0.00001; gnomAD exomes 0.00001; TOPMed 0.00001; 1000 Genomes Project 30x 0.00016.

Submissions (2):

Ambry Genetics
Classification: Uncertain significance for Inborn genetic diseases. Last evaluated: 2025-08-23. Review status: criteria provided, single submitter. Criteria: Ambry Variant Classification Scheme 2023. Collection method: clinical testing. Allele origin: germline.

Labcorp Genetics (formerly Invitae), Labcorp
Classification: Uncertain significance. Last evaluated: 2022-07-11. Review status: criteria provided, single submitter. Criteria: Invitae Variant Classification Sherloc (09022015). Collection method: clinical testing. Allele origin: germline.
Comment: This sequence change replaces isoleucine, which is neutral and non-polar, with threonine, which is neutral and polar, at codon 886 of the IREB2 protein (p.Ile886Thr). This variant is present in population databases (no rsID available, gnomAD 0.0009%). This variant has not been reported in the literature in individuals affected with IREB2-related conditions. Algorithms developed to predict the effect of missense changes on protein structure and function are either unavailable or do not agree on the potential impact of this missense change (SIFT: "Not Available"; PolyPhen-2: "Benign"; Align-GVGD: "Not Available"). In summary, the available evidence is currently insufficient to determine the role of this variant in disease. Therefore, it has been classified as a Variant of Uncertain Significance.

NM_004136.4(IREB2):c.2657T>C (p.Ile886Thr)

Gene: IREB2 (iron responsive element binding protein 2; plus strand). Cytogenetic location: 15q25.1.
Variant type: single nucleotide variant.
Coding change: c.2657T>C on transcript NM_004136.4 (MANE Select); coding-DNA position 2657, T replaced by C.
Protein change: p.Ile886Thr; replaces isoleucine 886 with threonine.
Molecular consequence: missense variant.
Genome position (GRCh38, 1-based): chr15:78,497,187, T>C. VCF-style: chr15-78497187-T-C. GRCh37 (hg19) VCF-style: chr15-78789529-T-C.
Other names: c.2657T>C (NM_004136.2); c.1907T>C, p.Ile636Thr (NM_001320941.2); c.2486T>C, p.Ile829Thr (NM_001320942.2, NM_001354994.2); short protein forms I636T, I886T, I829T.
Identifiers: ClinVar variation 2106956 (VCV002106956.4), dbSNP rs1322161779, ClinGen allele CA393567582.